The following is an entry in ClinVar:

ClinVar aggregate classification (germline): Pathogenic (1 of 4 stars; one submission).

Conditions:
Duchenne muscular dystrophy (DMD). Also called: Duchenne Muscular Dystrophy (DMD); MUSCULAR DYSTROPHY, PSEUDOHYPERTROPHIC PROGRESSIVE, DUCHENNE TYPE. Identifiers: Orphanet 98896, MedGen C0013264, MONDO:0010679, OMIM 310200.

Submission:

Labcorp Genetics (formerly Invitae), Labcorp
Classification: Pathogenic for Duchenne muscular dystrophy. Last evaluated: 2019-12-09. Review status: criteria provided, single submitter. Criteria: Invitae Variant Classification Sherloc (09022015). Collection method: clinical testing. Allele origin: germline.
Comment: This variant is an out-of-frame deletion of the genomic region encompassing exons 48-50 of the DMD gene. This creates a premature translational stop signal and is expected to result in an absent or disrupted protein product. This deletion has been reported in many individuals affected with Duchenne muscular dystrophy (PMID: 10392746, 9800909, 16917894). Loss-of-function variants in DMD are known to be pathogenic (PMID: 16770791, 25007885). For these reasons, this variant has been classified as Pathogenic.

Literature cited by the submitters: PubMed 9800909; PubMed 16917894; PubMed 10392746.

NC_000023.11:g.(?_31819965)_(31875383_?)del

Gene: DMD (dystrophin; minus strand). Cytogenetic location: Xp21.1.
Variant type: Deletion.
Identifiers: ClinVar variation 832826 (VCV000832826.1).